The following is an entry in ClinVar:

ClinVar aggregate classification (germline): Uncertain significance (1 of 4 stars; one submission).

Conditions:
Conotruncal heart malformations (CTHM). Also called: Conotruncal heart malformations, variable. Identifiers: Orphanet 2445, Orphanet 3384, Orphanet 3426, MedGen C1857586, MONDO:0016581, OMIM 217095.

Allele frequency attached by ClinVar (database versions not stated): TOPMed below 0.00001; gnomAD exomes 0.00004.
gnomAD v4.1: 53 of 1,540,686 alleles (0.0034%); highest among the groups gnomAD compares: Non-Finnish European, 0.0045%; no homozygotes.

Submission:

Labcorp Genetics (formerly Invitae), Labcorp
Classification: Uncertain significance for Conotruncal heart malformations. Last evaluated: 2024-02-23. Review status: criteria provided, single submitter. Criteria: Invitae Variant Classification Sherloc (09022015). Collection method: clinical testing. Allele origin: germline.
Comment: This sequence change replaces threonine, which is neutral and polar, with serine, which is neutral and polar, at codon 105 of the NKX2-6 protein (p.Thr105Ser). This variant is present in population databases (no rsID available, gnomAD 0.004%). This variant has not been reported in the literature in individuals affected with NKX2-6-related conditions. ClinVar contains an entry for this variant (Variation ID: 2145318). Advanced modeling of protein sequence and biophysical properties (such as structural, functional, and spatial information, amino acid conservation, physicochemical variation, residue mobility, and thermodynamic stability) performed at Invitae indicates that this missense variant is not expected to disrupt NKX2-6 protein function with a negative predictive value of 80%. In summary, the available evidence is currently insufficient to determine the role of this variant in disease. Therefore, it has been classified as a Variant of Uncertain Significance.

NM_001136271.3(NKX2-6):c.314C>G (p.Thr105Ser)

Gene: NKX2-6 (NK2 homeobox 6; minus strand). Cytogenetic location: 8p21.2.
Variant type: single nucleotide variant.
Coding change: c.314C>G on transcript NM_001136271.3 (MANE Select); coding-DNA position 314, C replaced by G.
Protein change: p.Thr105Ser; replaces threonine 105 with serine.
Molecular consequence: missense variant.
Genome position (GRCh38, 1-based): chr8:23,703,043, G>C on the plus strand (C>G on the coding strand, the complement: NKX2-6 is on the minus strand). VCF-style: chr8-23703043-G-C. GRCh37 (hg19) VCF-style: chr8-23560556-G-C.
Other names: short protein forms T105S.
Identifiers: ClinVar variation 2145318 (VCV002145318.4), dbSNP rs887208406, ClinGen allele CA174010928.